The following is an entry in ClinVar:

ClinVar aggregate classification (germline): Benign/Likely benign. Review status: criteria provided, multiple submitters, no conflicts (2 of 4 stars). 3 submissions from 3 submitters: Benign (1); Likely benign (2). Last evaluated 2025-02-25.

Conditions:
Hereditary cancer-predisposing syndrome. Also called: Hereditary Cancer Syndrome; Hereditary neoplastic syndrome; Neoplastic Syndromes, Hereditary; Tumor predisposition. Identifiers: Orphanet 140162, MedGen C0027672, MeSH D009386, MONDO:0015356.
Multiple endocrine neoplasia, type 2 (MEN2). Identifiers: Orphanet 653, MedGen C4048306, MONDO:0019003. Disease mechanism: gain of function.
Multiple endocrine neoplasia type 2A. Also called: MULTIPLE ENDOCRINE NEOPLASIA, TYPE IIA; PTC SYNDROME; SIPPLE SYNDROME; MEN 2A; MEN-2A syndrome; Pheochromocytoma and amyloid producing medullary thyroid carcinoma. Identifiers: Orphanet 247698, Orphanet 653, MedGen C0025268, MeSH D018813, MONDO:0008234, OMIM 171400.

Allele frequency attached by ClinVar (database versions not stated): ExAC 0.00001; ESP Exome Variant Server 0.00008.
gnomAD v4.1: 1 of 1,613,796 alleles (0.000062%); no homozygotes.

Submissions (3):

Myriad Genetics, Inc.
Classification: Benign for Multiple endocrine neoplasia type 2A. Last evaluated: 2025-02-25. Review status: criteria provided, single submitter. Criteria: Myriad Autosomal Dominant, Autosomal Recessive and X-Linked Classification Criteria (2023). Collection method: clinical testing. Allele origin: unknown.
Comment: This variant is considered benign. This variant is a silent/synonymous amino acid change and it is not expected to impact splicing.

Labcorp Genetics (formerly Invitae), Labcorp
Classification: Likely benign for Multiple endocrine neoplasia, type 2. Last evaluated: 2022-08-09. Review status: criteria provided, single submitter. Criteria: Invitae Variant Classification Sherloc (09022015). Collection method: clinical testing. Allele origin: germline.

Ambry Genetics
Classification: Likely benign for Hereditary cancer-predisposing syndrome. Last evaluated: 2020-05-20. Review status: criteria provided, single submitter. Criteria: Ambry Variant Classification Scheme 2023. Collection method: clinical testing. Allele origin: germline.

NM_020975.6(RET):c.993G>A (p.Val331=)

Gene: RET (ret proto-oncogene; plus strand). Cytogenetic location: 10q11.21.
Variant type: single nucleotide variant.
Coding change: c.993G>A on transcript NM_020975.6 (MANE Select); coding-DNA position 993, G replaced by A.
Protein change: p.Val331=; no amino-acid change (valine 331 retained).
Molecular consequence: synonymous variant. On other transcripts: intron variant (25).
Genome position (GRCh38, 1-based): chr10:43,106,501, G>A. VCF-style: chr10-43106501-G-A. GRCh37 (hg19) VCF-style: chr10-43601949-G-A.
Other names: c.993G>A, p.Val331= (NM_000323.2, NM_001406743.1, NM_001406744.1 and 6 more transcripts); c.231G>A, p.Val77= (NM_001355216.2); c.864G>A, p.Val288= (NM_001406761.1, NM_001406762.1, NM_001406764.1 and 1 more transcripts); c.705G>A, p.Val235= (NM_001406766.1, NM_001406767.1, NM_001406770.1); c.867+1308G>A (NM_001406772.1, NM_001406769.1); c.626-2530G>A (NM_001406773.1, NM_001406771.1); c.625+3872G>A (NM_001406782.1, NM_001406780.1, NM_001406779.1 and 3 more transcripts); c.738+1308G>A (NM_001406774.1); and 5 more.
Identifiers: ClinVar variation 1768676 (VCV001768676.8), dbSNP rs377200874, ClinGen allele CA045744.
Genomic context (GRCh38, chr10:43,106,501, plus strand): 5'-GAGGCGGTACACAAGCACGCTGCTCCCCGGGGACACCTGGGCCCAGCAGACCTTCCGGGT[G>A]GAACACTGGCCCAACGAGACCTCGGTCCAGGCCAACGGCAGCTTCGTGCGGGCGACCGTA-3'
Protein context (NP_066124.1, residues 321-341): GDTWAQQTFR[Val331=]EHWPNETSVQ